The following is an entry in ClinVar:

ClinVar aggregate classification (germline): Benign. Review status: criteria provided, single submitter (1 of 4 stars). 2 submissions from 2 submitters: Benign (1). 1 of the submissions does not count toward it. Last evaluated 2025-11-17.

Conditions:
SLC19A1-related disorder. Also called: SLC19A1-related condition.

Allele frequency attached by ClinVar (database versions not stated): ExAC 0.00060; gnomAD 0.00110; TOPMed 0.00138; ESP Exome Variant Server 0.00139; 1000 Genomes Project 0.00240; 1000 Genomes Project 30x 0.00265.

Submissions (2):

Labcorp Genetics (formerly Invitae), Labcorp
Classification: Benign. Last evaluated: 2025-11-17. Review status: criteria provided, single submitter. Criteria: Invitae Variant Classification Sherloc (09022015). Collection method: clinical testing. Allele origin: germline.

PreventionGenetics, part of Exact Sciences
Classification: Likely benign for SLC19A1-related condition. Last evaluated: 2019-08-08. Review status: no assertion criteria provided. Collection method: clinical testing. Allele origin: germline. Not counted in ClinVar's aggregate classification.
Comment: This variant is classified as likely benign based on ACMG/AMP sequence variant interpretation guidelines (Richards et al. 2015 PMID: 25741868, with internal and published modifications).

NM_194255.4(SLC19A1):c.423C>T (p.Phe141=)

Gene: SLC19A1 (solute carrier family 19 member 1; minus strand). Cytogenetic location: 21q22.3.
Variant type: single nucleotide variant.
Coding change: c.423C>T on transcript NM_194255.4 (MANE Select); coding-DNA position 423, C replaced by T.
Protein change: p.Phe141=; no amino-acid change (phenylalanine 141 retained).
Molecular consequence: synonymous variant.
Genome position (GRCh38, 1-based): chr21:45,531,915, G>A on the plus strand (C>T on the coding strand, the complement: SLC19A1 is on the minus strand). VCF-style: chr21-45531915-G-A. GRCh37 (hg19) VCF-style: chr21-46951829-G-A.
Other names: c.423C>T, p.Phe141= (NM_001205206.4, NM_001352511.3, NM_001352512.2); c.303C>T, p.Phe101= (NM_001205207.3); c.69C>T, p.Phe23= (NM_001352510.2); c.423C>T (NM_194255.2).
Identifiers: ClinVar variation 2068454 (VCV002068454.6), dbSNP rs79066928, ClinGen allele CA10068618.
Genomic context (GRCh38, chr21:45,531,915, plus strand): 5'-CAGCACCGCAGCGCGCGAGTAGCCGGCCACACGCTGGTAGCGCGCGGGCCGCACGAGAGA[G>A]AAGATGTAGGAGGAATAGGCGATGCGCGCGGCCATGGTGACGCTGTAGAAGAGCTCCATG-3'
Protein context (NP_919231.1, residues 131-151): AARIAYSSYI[Phe141=]SLVRPARYQR